The following is an entry in ClinVar:

NM_001257291.2(SLC9A7):c.1166T>C (p.Phe389Ser)

Gene: SLC9A7 (solute carrier family 9 member A7; minus strand). Cytogenetic location: Xp11.3.
Variant type: single nucleotide variant.
Coding change: c.1166T>C on transcript NM_001257291.2 (MANE Select); coding-DNA position 1166, T replaced by C.
Protein change: p.Phe389Ser; replaces phenylalanine 389 with serine.
Molecular consequence: missense variant.
Genome position (GRCh38, 1-based): chrX:46,651,386, A>G on the plus strand (T>C on the coding strand, the complement: SLC9A7 is on the minus strand). VCF-style: chrX-46651386-A-G. GRCh37 (hg19) VCF-style: chrX-46510821-A-G.
Other names: c.1163T>C, p.Phe388Ser (NM_032591.3); short protein forms F388S, F389S.
Identifiers: ClinVar variation 3698642 (VCV003698642.3).

ClinVar aggregate classification (germline): Uncertain significance. Review status: criteria provided, multiple submitters, no conflicts (2 of 4 stars). 2 submissions from 2 submitters: Uncertain significance (2). Last evaluated 2024-10-09.

Submissions (2):

Greenwood Genetic Center Diagnostic Laboratories, Greenwood Genetic Center
Classification: Uncertain significance. Last evaluated: 2024-10-09. Review status: criteria provided, single submitter. Criteria: ACMG Guidelines, 2015. Collection method: clinical testing. Allele origin: germline. Affected: yes.
Comment: PM2, PP3

Labcorp Genetics (formerly Invitae), Labcorp
Classification: Uncertain significance. Last evaluated: 2024-08-30. Review status: criteria provided, single submitter. Criteria: Invitae Variant Classification Sherloc (09022015). Collection method: clinical testing. Allele origin: germline.
Comment: This sequence change replaces phenylalanine, which is neutral and non-polar, with serine, which is neutral and polar, at codon 389 of the SLC9A7 protein (p.Phe389Ser). This variant is not present in population databases (gnomAD no frequency). This variant has not been reported in the literature in individuals affected with SLC9A7-related conditions. Invitae Evidence Modeling of protein sequence and biophysical properties (such as structural, functional, and spatial information, amino acid conservation, physicochemical variation, residue mobility, and thermodynamic stability) indicates that this missense variant is not expected to disrupt SLC9A7 protein function with a negative predictive value of 80%. In summary, the available evidence is currently insufficient to determine the role of this variant in disease. Therefore, it has been classified as a Variant of Uncertain Significance.